The following is an entry in ClinVar:

NM_001009931.3(HRNR):c.6552C>T (p.Ser2184=)

Genes: HRNR (hornerin; minus strand), CCDST (cervical cancer associated DHX9 suppressive transcript; plus strand). Cytogenetic location: 1q21.3.
Variant type: single nucleotide variant.
Coding change: c.6552C>T on transcript NM_001009931.3 (MANE Select); coding-DNA position 6552, C replaced by T.
Protein change: p.Ser2184=; no amino-acid change (serine 2184 retained).
Molecular consequence: synonymous variant.
Genome position (GRCh38, 1-based): chr1:152,215,077, G>A on the plus strand (C>T on the coding strand, the complement: HRNR is on the minus strand). VCF-style: chr1-152215077-G-A. GRCh37 (hg19) VCF-style: chr1-152187553-G-A.
Identifiers: ClinVar variation 2639200 (VCV002639200.24), dbSNP rs765143413, ClinGen allele CA1100351.

ClinVar aggregate classification (germline): Likely benign (1 of 4 stars; one submission).

Allele frequency attached by ClinVar (database versions not stated): 1000 Genomes Project 30x 0.00265; ExAC 0.00537.

Submission:

CeGaT Center for Human Genetics Tuebingen
Classification: Likely benign. Last evaluated: 2022-09-01. Review status: criteria provided, single submitter. Criteria: CeGaT Center For Human Genetics Tuebingen Variant Classification Criteria Version 2. Collection method: clinical testing. Allele origin: germline. Affected: yes. Observed: 1 variant allele.
Comment: HRNR: BP4, BP7